The following is an entry in ClinVar:

NM_000094.4(COL7A1):c.2866C>T (p.Arg956Cys)

Gene: COL7A1 (collagen type VII alpha 1 chain; minus strand). Cytogenetic location: 3p21.31.
Variant type: single nucleotide variant.
Coding change: c.2866C>T on transcript NM_000094.4 (MANE Select); coding-DNA position 2866, C replaced by T.
Protein change: p.Arg956Cys; replaces arginine 956 with cysteine.
Molecular consequence: missense variant.
Genome position (GRCh38, 1-based): chr3:48,587,546, G>A on the plus strand (C>T on the coding strand, the complement: COL7A1 is on the minus strand). VCF-style: chr3-48587546-G-A. GRCh37 (hg19) VCF-style: chr3-48624979-G-A.
Other names: c.2866C>T (NM_000094.3); short protein forms R956C.
Identifiers: ClinVar variation 1358036 (VCV001358036.8), dbSNP rs200769466, ClinGen allele CA2380710.

ClinVar aggregate classification (germline): Uncertain significance (1 of 4 stars; one submission).

Conditions:
Recessive dystrophic epidermolysis bullosa (RDEB). Also called: DYSTROPHIC EPIDERMOLYSIS BULLOSA, AUTOSOMAL RECESSIVE; EPIDERMOLYSIS BULLOSA DYSTROPHICA, HALLOPEAU-SIEMENS TYPE; EPIDERMOLYSIS BULLOSA DYSTROPHICA, GENERALIZED SEVERE, AUTOSOMAL RECESSIVE; Hallopeau-Siemens Disease; Epidermolysis Bullosa Distrophica Autosomal Recessive (RDEB); epidermolysis bullosa dystrophica, autosomal recessive. Identifiers: Orphanet 79408, Orphanet 79409, MedGen C0079474, MONDO:0009179, OMIM 226600.
Epidermolysis bullosa dystrophica. Also called: Dystrophic epidermolysis bullosa, Hallopeau-Siemens type (formerly); Dystrophic epidermolysis bullosa. Identifiers: Orphanet 303, MedGen C0079294, MONDO:0006543.

Allele frequency attached by ClinVar (database versions not stated): ExAC 0.00001; gnomAD exomes 0.00001 and 0.00002.
gnomAD v4.1: 26 of 1,613,572 alleles (0.0016%); highest among the groups gnomAD compares: South Asian, 0.0033%; no homozygotes.

Submission:

Labcorp Genetics (formerly Invitae), Labcorp
Classification: Uncertain significance. Last evaluated: 2025-04-14. Review status: criteria provided, single submitter. Criteria: Invitae Variant Classification Sherloc (09022015). Collection method: clinical testing. Allele origin: germline.
Comment: This sequence change replaces arginine, which is basic and polar, with cysteine, which is neutral and slightly polar, at codon 956 of the COL7A1 protein (p.Arg956Cys). This variant is present in population databases (rs200769466, gnomAD 0.006%). This variant has not been reported in the literature in individuals affected with COL7A1-related conditions. ClinVar contains an entry for this variant (Variation ID: 1358036). Invitae Evidence Modeling of protein sequence and biophysical properties (such as structural, functional, and spatial information, amino acid conservation, physicochemical variation, residue mobility, and thermodynamic stability) indicates that this missense variant is not expected to disrupt COL7A1 protein function with a negative predictive value of 95%. In summary, the available evidence is currently insufficient to determine the role of this variant in disease. Therefore, it has been classified as a Variant of Uncertain Significance.